The following is an entry in ClinVar:

NM_006206.6(PDGFRA):c.1969A>G (p.Ile657Val)

Gene: PDGFRA (platelet derived growth factor receptor alpha; plus strand). Cytogenetic location: 4q12.
Variant type: single nucleotide variant.
Coding change: c.1969A>G on transcript NM_006206.6 (MANE Select); coding-DNA position 1969, A replaced by G.
Protein change: p.Ile657Val; replaces isoleucine 657 with valine.
Molecular consequence: missense variant.
Genome position (GRCh38, 1-based): chr4:54,277,973, A>G. VCF-style: chr4-54277973-A-G. GRCh37 (hg19) VCF-style: chr4-55144140-A-G.
Other names: c.1969A>G, p.Ile657Val (NM_001347827.2, NM_001347829.2); c.2044A>G, p.Ile682Val (NM_001347828.2); c.2008A>G, p.Ile670Val (NM_001347830.2); short protein forms I682V, I657V, I670V.
Identifiers: ClinVar variation 939530 (VCV000939530.10), dbSNP rs1723830733, ClinGen allele CA356893736.
Genomic context (GRCh38, chr4:54,277,973, plus strand): 5'-GAAAAACAAGCTCTCATGTCTGAACTGAAGATAATGACTCACCTGGGGCCACATTTGAAC[A>G]TTGTAAACTTGCTGGGAGCCTGCACCAAGTCAGGTGGGCTCACTGACCTGGAGTGAGGAT-3'
Protein context (NP_006197.1, residues 647-667): IMTHLGPHLN[Ile657Val]VNLLGACTKS

ClinVar aggregate classification (germline): Uncertain significance (1 of 4 stars; one submission).

Conditions:
Gastrointestinal stromal tumor. Also called: Gastrointestinal stromal tumor, somatic; Gastrointestinal stroma tumor. Identifiers: Orphanet 44890, MedGen C0238198, MeSH D046152, MONDO:0011719, OMIM 606764, HP:0100723.

Submission:

Labcorp Genetics (formerly Invitae), Labcorp
Classification: Uncertain significance for Gastrointestinal stromal tumor. Last evaluated: 2019-09-30. Review status: criteria provided, single submitter. Criteria: Invitae Variant Classification Sherloc (09022015). Collection method: clinical testing. Allele origin: germline.
Comment: This sequence change replaces isoleucine with valine at codon 657 of the PDGFRA protein (p.Ile657Val). The isoleucine residue is highly conserved and there is a small physicochemical difference between isoleucine and valine. In summary, the available evidence is currently insufficient to determine the role of this variant in disease. Therefore, it has been classified as a Variant of Uncertain Significance. Algorithms developed to predict the effect of missense changes on protein structure and function are either unavailable or do not agree on the potential impact of this missense change (SIFT: "Tolerated"; PolyPhen-2: "Possibly Damaging"; Align-GVGD: "Class C0"). This variant has not been reported in the literature in individuals with PDGFRA-related conditions. This variant is not present in population databases (ExAC no frequency).